The following is an entry in ClinVar:

ClinVar aggregate classification (germline): Uncertain significance. Review status: criteria provided, multiple submitters, no conflicts (2 of 4 stars). 2 submissions from 2 submitters: Uncertain significance (2). Last evaluated 2025-02-12.

Conditions:
Combined immunodeficiency due to STIM1 deficiency. Also called: IMMUNODEFICIENCY 10; STIM1 DEFICIENCY. Identifiers: Orphanet 169090, Orphanet 317430, MedGen C2748557, MONDO:0013008, OMIM 612783.
Myopathy with tubular aggregates (TAM). Also called: Tubular Aggregate Myopathy. Identifiers: Orphanet 2593, MedGen C0410207, MONDO:0008051.
Stormorken syndrome (STRMK). Also called: THROMBOCYTOPATHY, ASPLENIA, AND MIOSIS. Identifiers: Orphanet 3204, MedGen C1861451, MONDO:0008497, OMIM 185070.

Allele frequency attached by ClinVar (database versions not stated): gnomAD 0.00001; TOPMed 0.00001; gnomAD exomes 0.00002 and 0.00003; ExAC 0.00004.
gnomAD v4.1: 43 of 1,596,860 alleles (0.0027%); highest among the groups gnomAD compares: Admixed American, 0.0035%; no homozygotes.

Submissions (2):

GeneDx
Classification: Uncertain significance. Last evaluated: 2025-02-12. Review status: criteria provided, single submitter. Criteria: GeneDx Variant Classification Process June 2021. Collection method: clinical testing. Allele origin: germline. Affected: yes.
Comment: In silico analysis supports that this missense variant has a deleterious effect on protein structure/function; Has not been previously published as pathogenic or benign to our knowledge

Labcorp Genetics (formerly Invitae), Labcorp
Classification: Uncertain significance for Myopathy with tubular aggregates; Combined immunodeficiency due to STIM1 deficiency; Stormorken syndrome. Last evaluated: 2025-01-27. Review status: criteria provided, single submitter. Criteria: Invitae Variant Classification Sherloc (09022015). Collection method: clinical testing. Allele origin: germline.
Comment: This sequence change replaces arginine, which is basic and polar, with tryptophan, which is neutral and slightly polar, at codon 155 of the STIM1 protein (p.Arg155Trp). This variant is present in population databases (rs747832260, gnomAD 0.004%). This variant has not been reported in the literature in individuals affected with STIM1-related conditions. ClinVar contains an entry for this variant (Variation ID: 1514151). Invitae Evidence Modeling of protein sequence and biophysical properties (such as structural, functional, and spatial information, amino acid conservation, physicochemical variation, residue mobility, and thermodynamic stability) has been performed for this missense variant. However, the output from this modeling did not meet the statistical confidence thresholds required to predict the impact of this variant on STIM1 protein function. In summary, the available evidence is currently insufficient to determine the role of this variant in disease. Therefore, it has been classified as a Variant of Uncertain Significance.

NM_001382567.1(STIM1):c.463C>T (p.Arg155Trp)

Gene: STIM1 (stromal interaction molecule 1; plus strand). Cytogenetic location: 11p15.4.
Variant type: single nucleotide variant.
Coding change: c.463C>T on transcript NM_001382567.1 (MANE Select); coding-DNA position 463, C replaced by T.
Protein change: p.Arg155Trp; replaces arginine 155 with tryptophan.
Molecular consequence: missense variant. On other transcripts: 5 prime UTR variant (2), non-coding transcript variant (3), intron variant (2).
Genome position (GRCh38, 1-based): chr11:4,055,603, C>T. VCF-style: chr11-4055603-C-T. GRCh37 (hg19) VCF-style: chr11-4076833-C-T.
Other names: c.463C>T (NM_003156.3); c.463C>T, p.Arg155Trp (NM_001277961.3, NM_001277962.2, NM_001382568.1 and 2 more transcripts); c.241C>T, p.Arg81Trp (NM_001382566.1, NM_001382573.1, NM_001382574.1 and 5 more transcripts); c.328C>T, p.Arg110Trp (NM_001382569.1); c.-27C>T (NM_001382580.1, NM_001382581.1); c.386-14423C>T (NM_001382570.1); c.18-3678C>T (NM_001382571.1); short protein forms R155W, R110W, R81W.
Identifiers: ClinVar variation 1514151 (VCV001514151.7), dbSNP rs747832260, ClinGen allele CA5830224.